The following is an entry in ClinVar:

ClinVar aggregate classification (germline): Uncertain significance (1 of 4 stars; one submission).

Allele frequency attached by ClinVar (database versions not stated): gnomAD exomes below 0.00001; TOPMed below 0.00001.
gnomAD v4.1: 2 of 1,614,124 alleles (0.00012%); highest among the groups gnomAD compares: East Asian, 0.0022%; no homozygotes.

Submission:

Labcorp Genetics (formerly Invitae), Labcorp
Classification: Uncertain significance. Last evaluated: 2021-02-22. Review status: criteria provided, single submitter. Criteria: Invitae Variant Classification Sherloc (09022015). Collection method: clinical testing. Allele origin: germline.
Comment: This sequence change replaces proline with serine at codon 49 of the NCSTN protein (p.Pro49Ser). The proline residue is moderately conserved and there is a moderate physicochemical difference between proline and serine. This variant is not present in population databases (ExAC no frequency). This variant has not been reported in the literature in individuals with NCSTN-related conditions. Algorithms developed to predict the effect of missense changes on protein structure and function (SIFT, PolyPhen-2, Align-GVGD) all suggest that this variant is likely to be tolerated, but these predictions have not been confirmed by published functional studies and their clinical significance is uncertain. In summary, the available evidence is currently insufficient to determine the role of this variant in disease. Therefore, it has been classified as a Variant of Uncertain Significance.

NM_015331.3(NCSTN):c.145C>T (p.Pro49Ser)

Gene: NCSTN (nicastrin; plus strand). Cytogenetic location: 1q23.2.
Variant type: single nucleotide variant.
Coding change: c.145C>T on transcript NM_015331.3 (MANE Select); coding-DNA position 145, C replaced by T.
Protein change: p.Pro49Ser; replaces proline 49 with serine.
Molecular consequence: missense variant.
Genome position (GRCh38, 1-based): chr1:160,344,781, C>T. VCF-style: chr1-160344781-C-T. GRCh37 (hg19) VCF-style: chr1-160314571-C-T.
Other names: c.85C>T, p.Pro29Ser (NM_001290184.2); c.145C>T, p.Pro49Ser (NM_001290186.2, NM_001349729.2); short protein forms P29S, P49S.
Identifiers: ClinVar variation 1478474 (VCV001478474.8), dbSNP rs1648366525, ClinGen allele CA343275284.